The following is an entry in ClinVar:

ClinVar aggregate classification (germline): Uncertain significance (1 of 4 stars; one submission).

Submission:

Women's Health and Genetics/Laboratory Corporation of America, LabCorp
Classification: Uncertain significance. Last evaluated: 2024-03-04. Review status: criteria provided, single submitter. Criteria: LabCorp Variant Classification Summary - May 2015. Collection method: clinical testing. Allele origin: germline.
Comment: Variant summary: CALR3 c.594C>A (p.Tyr198X) results in a premature termination codon, predicted to cause a truncation of the encoded protein or absence of the protein due to nonsense mediated decay, however the molecular mechanism of disease attributed to CALR3 is currently unknown. The variant was absent in 251444 control chromosomes. The available data on variant occurrences in the general population are insufficient to allow any conclusion about variant significance. To our knowledge, no occurrence of c.594C>A in individuals affected with Cardiomyopathy and no experimental evidence demonstrating its impact on protein function have been reported. No submitters have cited clinical-significance assessments for this variant to ClinVar. Based on the evidence outlined above, the variant was classified as uncertain significance.

NM_145046.5(CALR3):c.594C>A (p.Tyr198Ter)

Gene: CALR3 (calreticulin 3; minus strand). Cytogenetic location: 19p13.11.
Variant type: single nucleotide variant.
Coding change: c.594C>A on transcript NM_145046.5 (MANE Select); coding-DNA position 594, C replaced by A.
Protein change: p.Tyr198Ter; replaces tyrosine 198 with a stop codon.
Molecular consequence: nonsense.
Genome position (GRCh38, 1-based): chr19:16,484,014, G>T on the plus strand (C>A on the coding strand, the complement: CALR3 is on the minus strand). VCF-style: chr19-16484014-G-T. GRCh37 (hg19) VCF-style: chr19-16594825-G-T.
Other names: short protein forms Y198*.
Identifiers: ClinVar variation 3233663 (VCV003233663.2), dbSNP rs145046810, ClinGen allele CA404609652.